The following is an entry in ClinVar:

NM_001165963.4(SCN1A):c.4811G>A (p.Trp1604Ter)

Genes: SCN1A (sodium voltage-gated channel alpha subunit 1; minus strand), LOC102724058 (uncharacterized LOC102724058; plus strand). Cytogenetic location: 2q24.3.
Variant type: single nucleotide variant.
Coding change: c.4811G>A on transcript NM_001165963.4 (MANE Select); coding-DNA position 4811, G replaced by A.
Protein change: p.Trp1604Ter; replaces tryptophan 1604 with a stop codon.
Molecular consequence: nonsense. On other transcripts: non-coding transcript variant (1).
Genome position (GRCh38, 1-based): chr2:165,994,187, C>T on the plus strand (G>A on the coding strand, the complement: SCN1A is on the minus strand). VCF-style: chr2-165994187-C-T. GRCh37 (hg19) VCF-style: chr2-166850697-C-T.
Other names: c.4727G>A, p.Trp1576Ter (NM_001165964.3, NM_001353957.2, NM_001353958.2); c.4811G>A, p.Trp1604Ter (NM_001202435.3, NM_001353948.2); c.4778G>A, p.Trp1593Ter (NM_001353949.2, NM_001353950.2, NM_001353951.2 and 2 more transcripts); c.4775G>A, p.Trp1592Ter (NM_001353954.2, NM_001353955.2); c.4724G>A, p.Trp1575Ter (NM_001353960.2); c.2369G>A, p.Trp790Ter (NM_001353961.2); short protein forms W1593*, W1604*, W1576*, W790*, W1575*, W1592*.
Identifiers: ClinVar variation 189964 (VCV000189964.6), dbSNP rs794726800, ClinGen allele CA303425.

ClinVar aggregate classification (germline): Pathogenic. Review status: criteria provided, multiple submitters, no conflicts (2 of 4 stars). 2 submissions from 2 submitters: Pathogenic (2). Last evaluated 2023-04-24.

Conditions:
Early-infantile DEE. Also called: Early infantile epileptic encephalopathy; Ohtahara syndrome; Early infantile epileptic encephalopathy with suppression bursts. Identifiers: Orphanet 1934, MedGen C0393706, MONDO:0800491.
Severe myoclonic epilepsy in infancy (DRVT). Also called: Epileptic encephalopathy, early infantile, 6 (Dravet syndrome); SEVERE MYOCLONIC EPILEPSY OF INFANCY; DEVELOPMENTAL AND EPILEPTIC ENCEPHALOPATHY 6A; Severe Myoclonic Epilepsy in Infancy (SMEI); Dravet syndrome. Identifiers: Orphanet 33069, MedGen C0751122, MONDO:0100135, OMIM 607208.

Submissions (2):

Labcorp Genetics (formerly Invitae), Labcorp
Classification: Pathogenic for Early-infantile DEE. Last evaluated: 2023-04-24. Review status: criteria provided, single submitter. Criteria: Invitae Variant Classification Sherloc (09022015). Collection method: clinical testing. Allele origin: germline.
Comment: For these reasons, this variant has been classified as Pathogenic. This variant disrupts a region of the SCN1A protein in which other variant(s) (p.Arg1886*) have been determined to be pathogenic (PMID: 17054684, 17347258, 18930999, 22409937). This suggests that this is a clinically significant region of the protein, and that variants that disrupt it are likely to be disease-causing. ClinVar contains an entry for this variant (Variation ID: 189964). This premature translational stop signal has been observed in individual(s) with Dravet syndrome (PMID: 26096185). This variant is not present in population databases (gnomAD no frequency). This sequence change creates a premature translational stop signal (p.Trp1604*) in the SCN1A gene. While this is not anticipated to result in nonsense mediated decay, it is expected to disrupt the last 406 amino acid(s) of the SCN1A protein.

Center for Bioinformatics, Peking University
Classification: Pathogenic for Dravet syndrome. Last evaluated: 2014-12-20. Review status: criteria provided, single submitter. Criteria: Xu et al. (Hum Mutat. 2015). Collection method: research. Allele origin: de novo. Affected: yes. Observed: 2 variant alleles. Study: University Clinical Cooperation “985 Project” PKU-2014-1-1.
Comment: Dravet syndrome (DS) probands were recruited from the outpatient and inpatient child neurology units of Peking University First Hospital from 2005 till present. The study was approved by the Ethics Committee of Peking University First Hospital and the Institutional Review Board at Peking University. Participants or their parents provided written informed consent before enrollment. We collected a total of 267 mutations from 255 families with probands diagnosed with DS in China. All probands fulfilled the clinical diagnostic criteria.

Literature cited by the submitters: PubMed 17054684 (cited by Labcorp Genetics (formerly Invitae), Labcorp); PubMed 17347258 (cited by Labcorp Genetics (formerly Invitae), Labcorp); PubMed 18930999 (cited by Labcorp Genetics (formerly Invitae), Labcorp); PubMed 22409937 (cited by Labcorp Genetics (formerly Invitae), Labcorp); PubMed 26096185 (cited by Labcorp Genetics (formerly Invitae), Labcorp).